The following is an entry in ClinVar:

ClinVar aggregate classification (germline): Uncertain significance (1 of 4 stars; one submission).

Submission:

Labcorp Genetics (formerly Invitae), Labcorp
Classification: Uncertain significance. Last evaluated: 2026-01-12. Review status: criteria provided, single submitter. Criteria: Invitae Variant Classification Sherloc (09022015). Collection method: clinical testing. Allele origin: germline.
Comment: This sequence change replaces valine, which is neutral and non-polar, with alanine, which is neutral and non-polar, at codon 70 of the TBCK protein (p.Val70Ala). This variant is not present in population databases (gnomAD no frequency). This variant has not been reported in the literature in individuals affected with TBCK-related conditions. ClinVar contains an entry for this variant (Variation ID: 1940918). Invitae Evidence Modeling of protein sequence and biophysical properties (such as structural, functional, and spatial information, amino acid conservation, physicochemical variation, residue mobility, and thermodynamic stability) indicates that this missense variant is not expected to disrupt TBCK protein function with a negative predictive value of 80%. In summary, the available evidence is currently insufficient to determine the role of this variant in disease. Therefore, it has been classified as a Variant of Uncertain Significance.

NM_001163435.3(TBCK):c.209T>C (p.Val70Ala)

Gene: TBCK (TBC1 domain containing kinase; minus strand). Cytogenetic location: 4q24.
Variant type: single nucleotide variant.
Coding change: c.209T>C on transcript NM_001163435.3 (MANE Select); coding-DNA position 209, T replaced by C.
Protein change: p.Val70Ala; replaces valine 70 with alanine.
Molecular consequence: missense variant. On other transcripts: 5 prime UTR variant (1).
Genome position (GRCh38, 1-based): chr4:106,295,151, A>G on the plus strand (T>C on the coding strand, the complement: TBCK is on the minus strand). VCF-style: chr4-106295151-A-G. GRCh37 (hg19) VCF-style: chr4-107216308-A-G.
Other names: c.209T>C, p.Val70Ala (NM_001163436.4, NM_001163437.3, NM_033115.5); c.-409T>C (NM_001290768.2); short protein forms V70A.
Identifiers: ClinVar variation 1940918 (VCV001940918.5), dbSNP rs2479095834, ClinGen allele CA357973313.